The following is an entry in ClinVar:

ClinVar aggregate classification (germline): Benign/Likely benign. Review status: criteria provided, multiple submitters, no conflicts (2 of 4 stars). 4 submissions from 4 submitters: Benign (1); Likely benign (3). Last evaluated 2026-05-01.

Conditions:
Megalencephaly-polymicrogyria-postaxial polydactyly-hydrocephalus syndrome. Also called: MPPH Syndrome; MEG-PMG-MEGACC SYNDROME. Identifiers: Orphanet 83473, MedGen C1863924, MONDO:0019375.
Inborn genetic diseases. Identifiers: MedGen C0950123, MeSH D030342.

Allele frequency attached by ClinVar (database versions not stated): gnomAD below 0.00001 and 0.00003; TOPMed below 0.00001; gnomAD exomes 0.00005 and 0.00013; ExAC 0.00016; 1000 Genomes Project 30x 0.00031; 1000 Genomes Project 0.00040.
gnomAD v4.1: 77 of 1,613,902 alleles (0.0048%); highest among the groups gnomAD compares: South Asian, 0.078%; 1 homozygote.

Submissions (4):

CeGaT Center for Human Genetics Tuebingen
Classification: Likely benign. Last evaluated: 2026-05-01. Review status: criteria provided, single submitter. Criteria: CeGaT Center For Human Genetics Tuebingen Variant Classification Criteria Version 2. Collection method: clinical testing. Allele origin: germline. Affected: yes. Observed: 1 variant allele.
Comment: PIK3R2: BS2

Labcorp Genetics (formerly Invitae), Labcorp
Classification: Likely benign for Megalencephaly-polymicrogyria-postaxial polydactyly-hydrocephalus syndrome. Last evaluated: 2024-06-21. Review status: criteria provided, single submitter. Criteria: Invitae Variant Classification Sherloc (09022015). Collection method: clinical testing. Allele origin: germline.

Ambry Genetics
Classification: Likely benign for Inborn genetic diseases. Last evaluated: 2021-11-15. Review status: criteria provided, single submitter. Criteria: Ambry Variant Classification Scheme 2023. Collection method: clinical testing. Allele origin: germline.

GeneDx
Classification: Benign. Last evaluated: 2020-12-12. Review status: criteria provided, single submitter. Criteria: GeneDx Variant Classification Process June 2021. Collection method: clinical testing. Allele origin: germline. Affected: yes.

NM_005027.4(PIK3R2):c.872A>G (p.His291Arg)

Gene: PIK3R2 (phosphoinositide-3-kinase regulatory subunit 2; plus strand). Cytogenetic location: 19p13.11.
Variant type: single nucleotide variant.
Coding change: c.872A>G on transcript NM_005027.4 (MANE Select); coding-DNA position 872, A replaced by G.
Protein change: p.His291Arg; replaces histidine 291 with arginine.
Molecular consequence: missense variant. On other transcripts: non-coding transcript variant (2).
Genome position (GRCh38, 1-based): chr19:18,162,022, A>G. VCF-style: chr19-18162022-A-G. GRCh37 (hg19) VCF-style: chr19-18272832-A-G.
Other names: short protein forms H291R.
Identifiers: ClinVar variation 718195 (VCV000718195.11), dbSNP rs558189276, ClinGen allele CA9306827.